The following is an entry in ClinVar:

NM_015569.5(DNM3):c.1662A>G (p.Glu554=)

Gene: DNM3 (dynamin 3; plus strand). Cytogenetic location: 1q24.3.
Variant type: single nucleotide variant.
Coding change: c.1662A>G on transcript NM_015569.5 (MANE Select); coding-DNA position 1662, A replaced by G.
Protein change: p.Glu554=; no amino-acid change (glutamic acid 554 retained).
Molecular consequence: synonymous variant. On other transcripts: non-coding transcript variant (1).
Genome position (GRCh38, 1-based): chr1:172,253,575, A>G. VCF-style: chr1-172253575-A-G. GRCh37 (hg19) VCF-style: chr1-172222715-A-G.
Other names: c.1662A>G, p.Glu554= (NM_001136127.3); c.1692A>G, p.Glu564= (NM_001350204.2, NM_001350206.2).
Identifiers: ClinVar variation 2639561 (VCV002639561.24), dbSNP rs2527155109, ClinGen allele CA421888188.

ClinVar aggregate classification (germline): Likely benign (1 of 4 stars; one submission).

Submission:

CeGaT Center for Human Genetics Tuebingen
Classification: Likely benign. Last evaluated: 2023-08-01. Review status: criteria provided, single submitter. Criteria: CeGaT Center For Human Genetics Tuebingen Variant Classification Criteria Version 2. Collection method: clinical testing. Allele origin: germline. Affected: yes. Observed: 1 variant allele.
Comment: DNM3: PM2:Supporting, BP4, BP7